The following is an entry in ClinVar:

NM_006509.4(RELB):c.824G>A (p.Arg275Gln)

Gene: RELB (RELB proto-oncogene, NF-kB subunit; plus strand). Cytogenetic location: 19q13.32.
Variant type: single nucleotide variant.
Coding change: c.824G>A on transcript NM_006509.4 (MANE Select); coding-DNA position 824, G replaced by A.
Protein change: p.Arg275Gln; replaces arginine 275 with glutamine.
Molecular consequence: missense variant.
Genome position (GRCh38, 1-based): chr19:45,025,675, G>A. VCF-style: chr19-45025675-G-A. GRCh37 (hg19) VCF-style: chr19-45528933-G-A.
Other names: c.824G>A (NM_006509.3); short protein forms R275Q.
Identifiers: ClinVar variation 1477289 (VCV001477289.7), dbSNP rs1039495718, ClinGen allele CA308896731.

ClinVar aggregate classification (germline): Uncertain significance. Review status: criteria provided, multiple submitters, no conflicts (2 of 4 stars). 2 submissions from 2 submitters: Uncertain significance (2). Last evaluated 2025-05-13.

Allele frequency attached by ClinVar (database versions not stated): gnomAD 0.00001; TOPMed 0.00002.
gnomAD v4.1: 16 of 1,613,840 alleles (0.00099%); highest among the groups gnomAD compares: Admixed American, 0.0033%; no homozygotes.

Submissions (2):

Ambry Genetics
Classification: Uncertain significance. Last evaluated: 2025-05-13. Review status: criteria provided, single submitter. Criteria: Ambry Variant Classification Scheme 2023. Collection method: clinical testing. Allele origin: germline.

Labcorp Genetics (formerly Invitae), Labcorp
Classification: Uncertain significance. Last evaluated: 2023-08-30. Review status: criteria provided, single submitter. Criteria: Invitae Variant Classification Sherloc (09022015). Collection method: clinical testing. Allele origin: germline.
Comment: This sequence change replaces arginine, which is basic and polar, with glutamine, which is neutral and polar, at codon 275 of the RELB protein (p.Arg275Gln). In summary, the available evidence is currently insufficient to determine the role of this variant in disease. Therefore, it has been classified as a Variant of Uncertain Significance. This variant is present in population databases (no rsID available, gnomAD 0.01%). An algorithm developed to predict the effect of missense changes on protein structure and function (PolyPhen-2) suggests that this variant is likely to be tolerated. This variant has not been reported in the literature in individuals affected with RELB-related conditions. ClinVar contains an entry for this variant (Variation ID: 1477289).